The following is an entry in ClinVar:

ClinVar aggregate classification (germline): Conflicting classifications of pathogenicity. Review status: criteria provided, conflicting classifications (1 of 4 stars). 5 submissions from 5 submitters: Uncertain significance (2); Benign (1). 2 of the submissions do not count toward it. Last evaluated 2025-12-01.

Conditions:
Retinal dystrophy. Also called: Inherited retinal dystrophy. Identifiers: Orphanet 71862, MedGen C0854723, MeSH D058499, MONDO:0019118, HP:0000556.
Retinitis pigmentosa 48 (RP48). Also called: GUCA1B-Related Retinitis Pigmentosa. Identifiers: Orphanet 791, MedGen C3151190, MONDO:0013447, OMIM 613827.

Allele frequency attached by ClinVar (database versions not stated): TOPMed 0.00002; gnomAD 0.00004 and 0.00008; gnomAD exomes 0.00010 and 0.00022; ExAC 0.00012; 1000 Genomes Project 30x 0.00016; 1000 Genomes Project 0.00020.

Submissions (5):

Labcorp Genetics (formerly Invitae), Labcorp
Classification: Uncertain significance. Last evaluated: 2025-12-01. Review status: criteria provided, single submitter. Criteria: Invitae Variant Classification Sherloc (09022015). Collection method: clinical testing. Allele origin: germline.
Comment: This sequence change replaces glycine, which is neutral and non-polar, with arginine, which is basic and polar, at codon 157 of the GUCA1B protein (p.Gly157Arg). This variant is present in population databases (rs121909124, gnomAD 0.1%), and has an allele count higher than expected for a pathogenic variant. This missense change has been observed in individual(s) with clinical features of retinitis pigmentosa (PMID: 15452722). It has also been observed to segregate with disease in related individuals. ClinVar contains an entry for this variant (Variation ID: 7369). An algorithm developed to predict the effect of missense changes on protein structure and function outputs the following: PolyPhen-2: "Benign". The arginine amino acid residue is found in multiple mammalian species, which suggests that this missense change does not adversely affect protein function. Experimental studies have shown that this missense change affects GUCA1B function (PMID: 33812995). In summary, the available evidence is currently insufficient to determine the role of this variant in disease. Therefore, it has been classified as a Variant of Uncertain Significance.

Dept Of Ophthalmology, Nagoya University
Classification: Benign for Retinal dystrophy. Last evaluated: 2023-10-01. Review status: criteria provided, single submitter. Criteria: Submitter's publication. Collection method: research. Allele origin: germline. Affected: yes.

Soonchunhyang University Bucheon Hospital, Soonchunhyang University Medical Center
Classification: Uncertain significance for Retinitis pigmentosa 48. Last evaluated: 2016-03-18. Review status: criteria provided, single submitter. Criteria: ACMG Guidelines, 2015. Collection method: reference population. Allele origin: germline. Observed: 1 variant allele.

OMIM
Classification: Pathogenic for RETINITIS PIGMENTOSA 48. Last evaluated: 2005-03-01. Review status: no assertion criteria provided. Collection method: literature only. Allele origin: germline. Not counted in ClinVar's aggregate classification.

Department of Ophthalmology and Visual Sciences Kyoto University
Classification: Likely benign. Review status: no assertion criteria provided. Collection method: not provided. Allele origin: unknown. Not counted in ClinVar's aggregate classification.
ClinVar note: Converted during submission from probable-non-pathogenic to Likely benign.

Literature cited by the submitters: PubMed 15452722 (cited by 3 submitters); PubMed 33812995 (cited by Labcorp Genetics (formerly Invitae), Labcorp); PubMed 26161267 (cited by OMIM); Hamosh, A. Personal Communication. 2018. Baltimore, Md. (cited by OMIM).

NM_002098.6(GUCA1B):c.469G>A (p.Gly157Arg)

Gene: GUCA1B (guanylate cyclase activator 1B; minus strand). Cytogenetic location: 6p21.1.
Variant type: single nucleotide variant.
Coding change: c.469G>A on transcript NM_002098.6 (MANE Select); coding-DNA position 469, G replaced by A.
Protein change: p.Gly157Arg; replaces glycine 157 with arginine.
Molecular consequence: missense variant.
Genome position (GRCh38, 1-based): chr6:42,185,686, C>T on the plus strand (G>A on the coding strand, the complement: GUCA1B is on the minus strand). VCF-style: chr6-42185686-C-T. GRCh37 (hg19) VCF-style: chr6-42153424-C-T.
Other names: short protein forms G157R.
Identifiers: ClinVar variation 7369 (VCV000007369.14), dbSNP rs121909124, ClinGen allele CA232839.
Genomic context (GRCh38, chr6:42,185,686, plus strand): 5'-AAAGTGGCGATGATGCAGAGTGGACAGCACTCTCCCCATCTCTGCCCCTCTTACCATCTC[C>T]ATTCTCATCCACCAGGAGGAAGATCCTGTCCACGACCTCCTCGGGTGTGAGCAGCTGGCC-3'
Protein context (NP_002089.4, residues 147-167): DRIFLLVDEN[Gly157Arg]DGQLSLNEFV